The following is an entry in ClinVar:

ClinVar aggregate classification (germline): Likely benign (0 of 4 stars; one submission).

Conditions:
SLC20A1-related disorder. Also called: SLC20A1-related condition.

Allele frequency attached by ClinVar (database versions not stated): gnomAD 0.00010; gnomAD exomes 0.00010; ExAC 0.00012; TOPMed 0.00012; ESP Exome Variant Server 0.00015.
gnomAD v4.1: 164 of 1,613,994 alleles (0.01%); highest among the groups gnomAD compares: Middle Eastern, 0.46%; no homozygotes.

Submission:

PreventionGenetics, part of Exact Sciences
Classification: Likely benign for SLC20A1-related condition. Last evaluated: 2019-08-13. Review status: no assertion criteria provided. Collection method: clinical testing. Allele origin: germline.
Comment: This variant is classified as likely benign based on ACMG/AMP sequence variant interpretation guidelines (Richards et al. 2015 PMID: 25741868, with internal and published modifications).

NM_005415.5(SLC20A1):c.411T>C (p.Thr137=)

Gene: SLC20A1 (solute carrier family 20 member 1; plus strand). Cytogenetic location: 2q14.1.
Variant type: single nucleotide variant.
Coding change: c.411T>C on transcript NM_005415.5 (MANE Select); coding-DNA position 411, T replaced by C.
Protein change: p.Thr137=; no amino-acid change (threonine 137 retained).
Molecular consequence: synonymous variant.
Genome position (GRCh38, 1-based): chr2:112,647,400, T>C. VCF-style: chr2-112647400-T-C. GRCh37 (hg19) VCF-style: chr2-113404977-T-C.
Identifiers: ClinVar variation 3053393 (VCV003053393.2), dbSNP rs143967365, ClinGen allele CA1835760.